The following is an entry in ClinVar:

NM_025114.4(CEP290):c.3250C>A (p.Arg1084=)

Gene: CEP290 (centrosomal protein 290; minus strand). Cytogenetic location: 12q21.32.
Variant type: single nucleotide variant.
Coding change: c.3250C>A on transcript NM_025114.4 (MANE Select); coding-DNA position 3250, C replaced by A.
Protein change: p.Arg1084=; no amino-acid change (arginine 1084 retained).
Molecular consequence: synonymous variant.
Genome position (GRCh38, 1-based): chr12:88,093,829, G>T on the plus strand (C>A on the coding strand, the complement: CEP290 is on the minus strand). VCF-style: chr12-88093829-G-T. GRCh37 (hg19) VCF-style: chr12-88487606-G-T.
Other names: c.3250C>A (NM_025114.3).
Identifiers: ClinVar variation 1625242 (VCV001625242.9), dbSNP rs372918770, ClinGen allele CA481077279.
Genomic context (GRCh38, chr12:88,093,829, plus strand): 5'-CCTCAGCAAATTTGGTTTCCAATTCAAAATTACGTTCCTCCATTTGCTTTAACGAAGTCC[G>T]TAAGTGTTCATACATTTTTTGACAATGTTCAGCCCGCTGCCTTTCATTTAATTCCTTCAT-3'
Protein context (NP_079390.3, residues 1074-1094): EHCQKMYEHL[Arg1084=]TSLKQMEERN

ClinVar aggregate classification (germline): Likely benign. Review status: criteria provided, single submitter (1 of 4 stars). 2 submissions from 2 submitters: Likely benign (1). 1 of the submissions does not count toward it. Last evaluated 2021-09-19.

Conditions:
Joubert syndrome. Also called: CEREBELLOPARENCHYMAL DISORDER IV; JOUBERT-BOLTSHAUSER SYNDROME; Familial aplasia of the vermis. Identifiers: Orphanet 475, MedGen C5979921, MONDO:0018772.
Nephronophthisis. Also called: Juvenile Nephronophthisis. Identifiers: Orphanet 655, MedGen C0687120, MONDO:0019005, HP:0000090.
Meckel-Gruber syndrome. Also called: DYSENCEPHALIA SPLANCHNOCYSTICA; GRUBER SYNDROME; Dysencephalia splachnocystica. Identifiers: Orphanet 564, MedGen C0265215, MONDO:0018921.
CEP290-related disorder. Also called: CEP290-related condition; CEP290-related disorders. Identifiers: MedGen CN239314.

Submissions (2):

Labcorp Genetics (formerly Invitae), Labcorp
Classification: Likely benign for Joubert syndrome; Meckel-Gruber syndrome; Nephronophthisis. Last evaluated: 2021-09-19. Review status: criteria provided, single submitter. Criteria: Invitae Variant Classification Sherloc (09022015). Collection method: clinical testing. Allele origin: germline.

PreventionGenetics, part of Exact Sciences
Classification: Likely benign for CEP290-related condition. Last evaluated: 2024-09-07. Review status: no assertion criteria provided. Collection method: clinical testing. Allele origin: germline. Not counted in ClinVar's aggregate classification.
Comment: This variant is classified as likely benign based on ACMG/AMP sequence variant interpretation guidelines (Richards et al. 2015 PMID: 25741868, with internal and published modifications).